The following is an entry in ClinVar:

NM_000059.4(BRCA2):c.2066A>C (p.Lys689Thr)

Gene: BRCA2 (BRCA2 DNA repair associated; plus strand). Cytogenetic location: 13q13.1.
Variant type: single nucleotide variant.
Coding change: c.2066A>C on transcript NM_000059.4 (MANE Select); coding-DNA position 2066, A replaced by C.
Protein change: p.Lys689Thr; replaces lysine 689 with threonine.
Molecular consequence: missense variant. On other transcripts: non-coding transcript variant (1), intron variant (2).
Genome position (GRCh38, 1-based): chr13:32,336,421, A>C. VCF-style: chr13-32336421-A-C. GRCh37 (hg19) VCF-style: chr13-32910558-A-C.
Other names: c.2066A>C, p.Lys689Thr (NM_001406719.1, NM_001406720.1, NM_001432077.1); c.1909+3034A>C (NM_001406721.1); c.424+5391A>C (NM_001406722.1); short protein forms K689T.
Identifiers: ClinVar variation 4802283 (VCV004802283.1).

ClinVar aggregate classification (germline): Uncertain significance (1 of 4 stars; one submission).

Conditions:
Hereditary breast ovarian cancer syndrome. Also called: Hereditary breast and ovarian cancer syndrome (HBOC); Hereditary breast and ovarian cancer; Breast and ovarian cancer; Hereditary breast and/or ovarian cancer syndrome; BRCA1- and BRCA2-Associated Hereditary Breast and Ovarian Cancer; Hereditary breast and ovarian cancer syndrome. Identifiers: Orphanet 145, MedGen C0677776, MeSH D061325, MONDO:0003582. Disease mechanism: loss of function.

Submission:

Labcorp Genetics (formerly Invitae), Labcorp
Classification: Uncertain significance for Hereditary breast ovarian cancer syndrome. Last evaluated: 2025-06-18. Review status: criteria provided, single submitter. Criteria: Invitae Variant Classification Sherloc (09022015). Collection method: clinical testing. Allele origin: germline.
Comment: This sequence change replaces lysine, which is basic and polar, with threonine, which is neutral and polar, at codon 689 of the BRCA2 protein (p.Lys689Thr). This variant is not present in population databases (gnomAD no frequency). This variant has not been reported in the literature in individuals affected with BRCA2-related conditions. Invitae Evidence Modeling of protein sequence and biophysical properties (such as structural, functional, and spatial information, amino acid conservation, physicochemical variation, residue mobility, and thermodynamic stability) indicates that this missense variant is not expected to disrupt BRCA2 protein function with a negative predictive value of 95%. In summary, the available evidence is currently insufficient to determine the role of this variant in disease. Therefore, it has been classified as a Variant of Uncertain Significance.